The following is an entry in ClinVar:

ClinVar aggregate classification (germline): Uncertain significance (1 of 4 stars; one submission).

Conditions:
Cardiovascular phenotype. Identifiers: MedGen CN230736.

Submission:

Ambry Genetics
Classification: Uncertain significance for Cardiovascular phenotype. Last evaluated: 2023-11-04. Review status: criteria provided, single submitter. Criteria: Ambry Variant Classification Scheme 2023. Collection method: clinical testing. Allele origin: germline.
Comment: The p.S864W variant (also known as c.2591C>G), located in coding exon 16 of the DSC2 gene, results from a C to G substitution at nucleotide position 2591. The serine at codon 864 is replaced by tryptophan, an amino acid with highly dissimilar properties. This amino acid position is conserved. In addition, this alteration is predicted to be deleterious by in silico analysis. Since supporting evidence is limited at this time, the clinical significance of this alteration remains unclear.

NM_024422.6(DSC2):c.2591C>G (p.Ser864Trp)

Gene: DSC2 (desmocollin 2; minus strand). Cytogenetic location: 18q12.1.
Variant type: single nucleotide variant.
Coding change: c.2591C>G on transcript NM_024422.6 (MANE Select); coding-DNA position 2591, C replaced by G.
Protein change: p.Ser864Trp; replaces serine 864 with tryptophan.
Molecular consequence: missense variant. On other transcripts: 3 prime UTR variant (2).
Genome position (GRCh38, 1-based): chr18:31,068,130, G>C on the plus strand (C>G on the coding strand, the complement: DSC2 is on the minus strand). VCF-style: chr18-31068130-G-C. GRCh37 (hg19) VCF-style: chr18-28648096-G-C.
Other names: c.2162C>G, p.Ser721Trp (NM_001406506.1); c.*93C>G (NM_001406507.1, NM_004949.5); short protein forms S721W, S864W.
Identifiers: ClinVar variation 3227844 (VCV003227844.1), dbSNP rs202031070, ClinGen allele CA402110502.